The following is an entry in ClinVar:

NM_001082486.2(ACD):c.207C>G (p.Cys69Trp)

Gene: ACD (ACD shelterin complex subunit and telomerase recruitment factor; minus strand). Cytogenetic location: 16q22.1.
Variant type: single nucleotide variant.
Coding change: c.207C>G on transcript NM_001082486.2 (MANE Select); coding-DNA position 207, C replaced by G.
Protein change: p.Cys69Trp; replaces cysteine 69 with tryptophan.
Molecular consequence: missense variant.
Genome position (GRCh38, 1-based): chr16:67,659,938, G>C on the plus strand (C>G on the coding strand, the complement: ACD is on the minus strand). VCF-style: chr16-67659938-G-C. GRCh37 (hg19) VCF-style: chr16-67693841-G-C.
Other names: c.207C>G, p.Cys69Trp (NM_001410884.1); c.198C>G, p.Cys66Trp (NM_022914.3); short protein forms C66W, C69W.
Identifiers: ClinVar variation 3232672 (VCV003232672.1), dbSNP rs2543610147, ClinGen allele CA396356607.

ClinVar aggregate classification (germline): Uncertain significance (1 of 4 stars; one submission).

Conditions:
Inborn genetic diseases. Identifiers: MedGen C0950123, MeSH D030342.

Submission:

Ambry Genetics
Classification: Uncertain significance for Inborn genetic diseases. Last evaluated: 2024-03-13. Review status: criteria provided, single submitter. Criteria: Ambry Variant Classification Scheme 2023. Collection method: clinical testing. Allele origin: germline.
Comment: The p.C155W variant (also known as c.465C>G), located in coding exon 2 of the ACD gene, results from a C to G substitution at nucleotide position 465. The cysteine at codon 155 is replaced by tryptophan, an amino acid with highly dissimilar properties. This amino acid position is conserved. In addition, the in silico prediction for this alteration is inconclusive. Based on the available evidence, the clinical significance of this alteration remains unclear.